The following is an entry in ClinVar:

NM_001386298.1(CIC):c.5544C>T (p.Gly1848=)

Gene: CIC (capicua transcriptional repressor; plus strand). Cytogenetic location: 19q13.2.
Variant type: single nucleotide variant.
Coding change: c.5544C>T on transcript NM_001386298.1 (MANE Select); coding-DNA position 5544, C replaced by T.
Protein change: p.Gly1848=; no amino-acid change (glycine 1848 retained).
Molecular consequence: synonymous variant.
Genome position (GRCh38, 1-based): chr19:42,291,676, C>T. VCF-style: chr19-42291676-C-T. GRCh37 (hg19) VCF-style: chr19-42795828-C-T.
Other names: c.5544C>T, p.Gly1848= (NM_001304815.2, NM_001379480.1, NM_001379482.1 and 1 more transcripts); c.2817C>T, p.Gly939= (NM_001379484.1, NM_001379485.1, NM_015125.5).
Identifiers: ClinVar variation 3030680 (VCV003030680.2), dbSNP rs201351852, ClinGen allele CA9472391.

ClinVar aggregate classification (germline): Likely benign (0 of 4 stars; one submission).

Conditions:
CIC-related disorder. Also called: CIC-related condition.

Allele frequency attached by ClinVar (database versions not stated): ExAC 0.00002; TOPMed 0.00007; gnomAD 0.00010; ESP Exome Variant Server 0.00017.
gnomAD v4.1: 204 of 1,612,914 alleles (0.013%); highest among the groups gnomAD compares: Non-Finnish European, 0.016%; no homozygotes.

Submission:

PreventionGenetics, part of Exact Sciences
Classification: Likely benign for CIC-related condition. Last evaluated: 2020-11-11. Review status: no assertion criteria provided. Collection method: clinical testing. Allele origin: germline.
Comment: This variant is classified as likely benign based on ACMG/AMP sequence variant interpretation guidelines (Richards et al. 2015 PMID: 25741868, with internal and published modifications).